The following is an entry in ClinVar:

ClinVar aggregate classification (germline): Pathogenic (1 of 4 stars; one submission).

Conditions:
Primary ciliary dyskinesia. Also called: Ciliary dyskinesia. Identifiers: Orphanet 244, MedGen C0008780, MONDO:0016575, HP:0012265.

Allele frequency attached by ClinVar (database versions not stated): TOPMed 0.00001.

Submission:

Labcorp Genetics (formerly Invitae), Labcorp
Classification: Pathogenic for Primary ciliary dyskinesia. Last evaluated: 2023-11-09. Review status: criteria provided, single submitter. Criteria: Invitae Variant Classification Sherloc (09022015). Collection method: clinical testing. Allele origin: germline.
Comment: This sequence change affects the initiator methionine of the DNAI1 mRNA. The next in-frame methionine is located at codon 178. This variant is not present in population databases (gnomAD no frequency). This variant has not been reported in the literature in individuals affected with DNAI1-related conditions. This variant disrupts a region of the DNAI1 protein in which other variant(s) (p.Arg124Cys) have been determined to be pathogenic (Invitae). This suggests that this is a clinically significant region of the protein, and that variants that disrupt it are likely to be disease-causing. For these reasons, this variant has been classified as Pathogenic.

NM_012144.4(DNAI1):c.1A>G (p.Met1Val)

Gene: DNAI1 (dynein axonemal intermediate chain 1; plus strand). Cytogenetic location: 9p13.3.
Variant type: single nucleotide variant.
Coding change: c.1A>G on transcript NM_012144.4 (MANE Select); coding-DNA position 1, A replaced by G.
Protein change: p.Met1Val; changes the start codon (methionine 1).
Molecular consequence: missense variant, initiator codon variant.
Genome position (GRCh38, 1-based): chr9:34,459,006, A>G. VCF-style: chr9-34459006-A-G. GRCh37 (hg19) VCF-style: chr9-34459004-A-G.
Other names: c.1A>G, p.Met1Val (NM_001281428.2); short protein forms M1V.
Identifiers: ClinVar variation 2794739 (VCV002794739.4), dbSNP rs1823881286, ClinGen allele CA373247676.